The following is an entry in ClinVar:

NM_001267550.2(TTN):c.43480+4_43480+5del

Gene: TTN (titin; minus strand). Cytogenetic location: 2q31.2.
Variant type: Deletion.
Coding change: c.43480+4_43480+5del on transcript NM_001267550.2 (MANE Select); bases 4 to 5 of the intron after coding-DNA position 43480, 2 bases deleted (AA; older notation c.43480+4_43480+5delAA).
Molecular consequence: intron variant.
Genome position (GRCh38, 1-based): chr2:178,632,521-178,632,522, TT deleted on the plus strand (AA on the coding strand, the reverse complement: TTN is on the minus strand); deleting any 2 consecutive bases within chr2:178,632,521-178,632,523 gives the same sequence; the c. name uses the placement nearest the transcript's 3' end. VCF-style (leftmost placement, unchanged base first): chr2-178632520-ATT-A. GRCh37 (hg19) VCF-style: chr2-179497247-ATT-A.
Other names: c.16285+4_16285+5delAA (NM_003319.4); c.16285+4_16285+5del (NM_003319.4); c.16861+4_16861+5del (NM_133437.4); c.16660+4_16660+5del (NM_133432.3); c.35776+4_35776+5del (NM_133378.4); c.38557+4_38557+5del (NM_001256850.1).
Identifiers: ClinVar variation 2933713 (VCV002933713.5), dbSNP rs2471469084, ClinGen allele CA2662135961.

ClinVar aggregate classification (germline): Uncertain significance. Review status: criteria provided, multiple submitters, no conflicts (2 of 4 stars). 3 submissions from 3 submitters: Uncertain significance (3). Last evaluated 2026-01-25.

Conditions:
Cardiovascular phenotype. Identifiers: MedGen CN230736.
Dilated cardiomyopathy 1G (CMD1G). Identifiers: Orphanet 154, MedGen C1858763, MONDO:0011400, OMIM 604145.
Autosomal recessive limb-girdle muscular dystrophy type 2J (LGMDR10). Also called: Limb-girdle muscular dystrophy, type 2J; MUSCULAR DYSTROPHY, LIMB-GIRDLE, AUTOSOMAL RECESSIVE 10. Identifiers: Orphanet 140922, MedGen C1837342, MONDO:0012127, OMIM 608807.

Submissions (3):

Labcorp Genetics (formerly Invitae), Labcorp
Classification: Uncertain significance for Dilated cardiomyopathy 1G; Autosomal recessive limb-girdle muscular dystrophy type 2J. Last evaluated: 2026-01-25. Review status: criteria provided, single submitter. Criteria: Invitae Variant Classification Sherloc (09022015). Collection method: clinical testing. Allele origin: germline.
Comment: This sequence change falls in intron 235 of the TTN gene. It does not directly change the encoded amino acid sequence of the TTN protein. It affects a nucleotide within the consensus splice site. This variant is not present in population databases (gnomAD no frequency). This variant has not been reported in the literature in individuals affected with TTN-related conditions. ClinVar contains an entry for this variant (Variation ID: 2933713). Variants that disrupt the consensus splice site are a relatively common cause of aberrant splicing (PMID: 17576681, 9536098). Algorithms developed to predict the effect of sequence changes on RNA splicing suggest that this variant is not likely to affect RNA splicing. This variant is located in the I band of TTN (PMID: 25589632). Non-truncating variants in this region may be clinically relevant, but have not been definitively shown to cause cardiomyopathy or neuromuscular disease (PMID: 27493940, 32778822). In summary, the available evidence is currently insufficient to determine the role of this variant in disease. Therefore, it has been classified as a Variant of Uncertain Significance.

Ambry Genetics
Classification: Uncertain significance for Cardiovascular phenotype. Last evaluated: 2025-06-13. Review status: criteria provided, single submitter. Criteria: Ambry Variant Classification Scheme 2023. Collection method: clinical testing. Allele origin: germline.
Comment: The c.16285+4_16285+5delAA intronic variant begins 4 nucleotide after coding exon 62 in the TTN gene. This variant results from a deletion of 2 nucleotides at positions c.16285+4 to c.16285+5. These nucleotide positions are not well conserved in available vertebrate species. In silico splice site analysis predicts that this alteration will not have any significant effect on splicing. Based on the available evidence, the clinical significance of this variant remains unclear.

Blueprint Genetics
Classification: Uncertain significance. Last evaluated: 2017-11-20. Review status: criteria provided, single submitter. Criteria: ACMG Guidelines, 2015. Collection method: clinical testing. Allele origin: germline.

Literature cited by the submitters: PubMed 17576681 (cited by Labcorp Genetics (formerly Invitae), Labcorp); PubMed 9536098 (cited by Labcorp Genetics (formerly Invitae), Labcorp); PubMed 25589632 (cited by Labcorp Genetics (formerly Invitae), Labcorp); PubMed 27493940 (cited by Labcorp Genetics (formerly Invitae), Labcorp); PubMed 32778822 (cited by Labcorp Genetics (formerly Invitae), Labcorp).